The following is an entry in ClinVar:

NM_015466.4(PTPN23):c.1994A>G (p.Tyr665Cys)

Gene: PTPN23 (protein tyrosine phosphatase non-receptor type 23; plus strand). Cytogenetic location: 3p21.31.
Variant type: single nucleotide variant.
Coding change: c.1994A>G on transcript NM_015466.4 (MANE Select); coding-DNA position 1994, A replaced by G.
Protein change: p.Tyr665Cys; replaces tyrosine 665 with cysteine.
Molecular consequence: missense variant.
Genome position (GRCh38, 1-based): chr3:47,409,699, A>G. VCF-style: chr3-47409699-A-G. GRCh37 (hg19) VCF-style: chr3-47451189-A-G.
Other names: c.1616A>G, p.Tyr539Cys (NM_001304482.2); short protein forms Y665C, Y539C.
Identifiers: ClinVar variation 1905663 (VCV001905663.2), dbSNP rs548007663, ClinGen allele CA2365888.

ClinVar aggregate classification (germline): Uncertain significance (1 of 4 stars; one submission).

Allele frequency attached by ClinVar (database versions not stated): TOPMed 0.00002.
gnomAD v4.1: 17 of 1,609,268 alleles (0.0011%); highest among the groups gnomAD compares: Admixed American, 0.0033%; no homozygotes.

Submission:

Labcorp Genetics (formerly Invitae), Labcorp
Classification: Uncertain significance. Last evaluated: 2022-04-20. Review status: criteria provided, single submitter. Criteria: Invitae Variant Classification Sherloc (09022015). Collection method: clinical testing. Allele origin: germline.
Comment: This sequence change replaces tyrosine, which is neutral and polar, with cysteine, which is neutral and slightly polar, at codon 665 of the PTPN23 protein (p.Tyr665Cys). This variant is present in population databases (rs548007663, gnomAD 0.002%). This variant has not been reported in the literature in individuals affected with PTPN23-related conditions. Algorithms developed to predict the effect of missense changes on protein structure and function are either unavailable or do not agree on the potential impact of this missense change (SIFT: "Deleterious"; PolyPhen-2: "Not Available"; Align-GVGD: "Class C0"). In summary, the available evidence is currently insufficient to determine the role of this variant in disease. Therefore, it has been classified as a Variant of Uncertain Significance.